The following is an entry in ClinVar:

NM_021008.4(DEAF1):c.1523G>T (p.Gly508Val)

Gene: DEAF1 (DEAF1 transcription factor; minus strand). Cytogenetic location: 11p15.5.
Variant type: single nucleotide variant.
Coding change: c.1523G>T on transcript NM_021008.4 (MANE Select); coding-DNA position 1523, G replaced by T.
Protein change: p.Gly508Val; replaces glycine 508 with valine.
Molecular consequence: missense variant.
Genome position (GRCh38, 1-based): chr11:654,032, C>A on the plus strand (G>T on the coding strand, the complement: DEAF1 is on the minus strand). VCF-style: chr11-654032-C-A. GRCh37 (hg19) VCF-style: chr11-654032-C-A.
Other names: c.1298G>T, p.Gly433Val (NM_001293634.2); c.797G>T, p.Gly266Val (NM_001367390.1); short protein forms G266V, G433V, G508V.
Identifiers: ClinVar variation 1314630 (VCV001314630.9), dbSNP rs2133290047, ClinGen allele CA379016556.

ClinVar aggregate classification (germline): Uncertain significance. Review status: criteria provided, multiple submitters, no conflicts (2 of 4 stars). 2 submissions from 2 submitters: Uncertain significance (2). Last evaluated 2021-04-13.

Submissions (2):

GeneDx
Classification: Uncertain significance. Last evaluated: 2021-04-13. Review status: criteria provided, single submitter. Criteria: GeneDx Variant Classification Process June 2021. Collection method: clinical testing. Allele origin: germline. Affected: yes.
Comment: Not observed in large population cohorts (Lek et al., 2016); In silico analysis supports that this missense variant has a deleterious effect on protein structure/function; Has not been previously published as pathogenic or benign to our knowledge

Labcorp Genetics (formerly Invitae), Labcorp
Classification: Uncertain significance. Last evaluated: 2021-03-20. Review status: criteria provided, single submitter. Criteria: Invitae Variant Classification Sherloc (09022015). Collection method: clinical testing. Allele origin: germline.
Comment: Advanced modeling of protein sequence and biophysical properties (such as structural, functional, and spatial information, amino acid conservation, physicochemical variation, residue mobility, and thermodynamic stability) performed at Invitae indicates that this missense variant is expected to disrupt DEAF1 protein function. This variant has not been reported in the literature in individuals with DEAF1-related conditions. This variant is not present in population databases (ExAC no frequency). This sequence change replaces glycine with valine at codon 508 of the DEAF1 protein (p.Gly508Val). The glycine residue is highly conserved and there is a moderate physicochemical difference between glycine and valine. In summary, the available evidence is currently insufficient to determine the role of this variant in disease. Therefore, it has been classified as a Variant of Uncertain Significance.